The following is an entry in ClinVar:

NM_001904.4(CTNNB1):c.81A>G (p.Gln27=)

Genes: CTNNB1 (catenin beta 1; plus strand), LOC126806658 (BRD4-independent group 4 enhancer GRCh37_chr3:41265899-41267098; plus strand). Cytogenetic location: 3p22.1.
Variant type: single nucleotide variant.
Coding change: c.81A>G on transcript NM_001904.4 (MANE Select); coding-DNA position 81, A replaced by G.
Protein change: p.Gln27=; no amino-acid change (glutamine 27 retained).
Molecular consequence: synonymous variant.
Genome position (GRCh38, 1-based): chr3:41,224,593, A>G. VCF-style: chr3-41224593-A-G. GRCh37 (hg19) VCF-style: chr3-41266084-A-G.
Other names: c.81A>G, p.Gln27= (NM_001098209.2, NM_001098210.2); c.60A>G, p.Gln20= (NM_001330729.2).
Identifiers: ClinVar variation 1203312 (VCV001203312.13), dbSNP rs369714835, ClinGen allele CA2330858.
Genomic context (GRCh38, chr3:41,224,593, plus strand): 5'-GATGGAGTTGGACATGGCCATGGAACCAGACAGAAAAGCGGCTGTTAGTCACTGGCAGCA[A>G]CAGTCTTACCTGGACTCTGGAATCCATTCTGGTGCCACTACCACAGCTCCTTCTCTGAGT-3'
Protein context (NP_001895.1, residues 17-37): DRKAAVSHWQ[Gln27=]QSYLDSGIHS

ClinVar aggregate classification (germline): Likely benign. Review status: criteria provided, multiple submitters, no conflicts (2 of 4 stars). 4 submissions from 4 submitters: Likely benign (3). 1 of the submissions does not count toward it. Last evaluated 2025-11-24.

Conditions:
CTNNB1-related disorder. Also called: CTNNB1-related condition.

Allele frequency attached by ClinVar (database versions not stated): gnomAD exomes 0.00002; ExAC 0.00005; gnomAD 0.00005; TOPMed 0.00008; ESP Exome Variant Server 0.00015; 1000 Genomes Project 30x 0.00016; 1000 Genomes Project 0.00020.
gnomAD v4.1: 43 of 1,613,970 alleles (0.0027%); highest among the groups gnomAD compares: African/African-American, 0.015%; no homozygotes.

Submissions (4):

Labcorp Genetics (formerly Invitae), Labcorp
Classification: Likely benign. Last evaluated: 2025-11-24. Review status: criteria provided, single submitter. Criteria: Invitae Variant Classification Sherloc (09022015). Collection method: clinical testing. Allele origin: germline.

Blueprint Genetics
Classification: Likely benign. Last evaluated: 2022-09-13. Review status: criteria provided, single submitter. Criteria: ACMG Guidelines, 2015. Collection method: clinical testing. Allele origin: germline.

GeneDx
Classification: Likely benign. Last evaluated: 2021-01-27. Review status: criteria provided, single submitter. Criteria: GeneDx Variant Classification Process June 2021. Collection method: clinical testing. Allele origin: germline. Affected: yes.
Comment: This variant is associated with the following publications: (PMID: 29726953)

PreventionGenetics, part of Exact Sciences
Classification: Likely benign for CTNNB1-related condition. Last evaluated: 2024-03-11. Review status: no assertion criteria provided. Collection method: clinical testing. Allele origin: germline. Not counted in ClinVar's aggregate classification.
Comment: This variant is classified as likely benign based on ACMG/AMP sequence variant interpretation guidelines (Richards et al. 2015 PMID: 25741868, with internal and published modifications).